The following is an entry in ClinVar:

NM_018941.4(CLN8):c.97G>C (p.Val33Leu)

Gene: CLN8 (CLN8 transmembrane ER and ERGIC protein; plus strand). Cytogenetic location: 8p23.3.
Variant type: single nucleotide variant.
Coding change: c.97G>C on transcript NM_018941.4 (MANE Select); coding-DNA position 97, G replaced by C.
Protein change: p.Val33Leu; replaces valine 33 with leucine.
Molecular consequence: missense variant.
Genome position (GRCh38, 1-based): chr8:1,771,151, G>C. VCF-style: chr8-1771151-G-C. GRCh37 (hg19) VCF-style: chr8-1719317-G-C.
Other names: short protein forms V33L.
Identifiers: ClinVar variation 954887 (VCV000954887.7), dbSNP rs1801284979, ClinGen allele CA369952862.

ClinVar aggregate classification (germline): Uncertain significance (1 of 4 stars; one submission).

Conditions:
Neuronal ceroid lipofuscinosis. Also called: Neuronal Ceroid Lipofuscinoses. Identifiers: Orphanet 216, Orphanet 79263, MedGen C0027877, MONDO:0016295. Disease mechanism: loss of function.

Submission:

Labcorp Genetics (formerly Invitae), Labcorp
Classification: Uncertain significance for Neuronal ceroid lipofuscinosis. Last evaluated: 2025-04-26. Review status: criteria provided, single submitter. Criteria: Invitae Variant Classification Sherloc (09022015). Collection method: clinical testing. Allele origin: germline.
Comment: This sequence change replaces valine, which is neutral and non-polar, with leucine, which is neutral and non-polar, at codon 33 of the CLN8 protein (p.Val33Leu). This variant is not present in population databases (gnomAD no frequency). This variant has not been reported in the literature in individuals affected with CLN8-related conditions. ClinVar contains an entry for this variant (Variation ID: 954887). Invitae Evidence Modeling of protein sequence and biophysical properties (such as structural, functional, and spatial information, amino acid conservation, physicochemical variation, residue mobility, and thermodynamic stability) indicates that this missense variant is not expected to disrupt CLN8 protein function with a negative predictive value of 95%. In summary, the available evidence is currently insufficient to determine the role of this variant in disease. Therefore, it has been classified as a Variant of Uncertain Significance.